The following is an entry in ClinVar:

ClinVar aggregate classification (germline): Uncertain significance (1 of 4 stars; one submission).

Submission:

CeGaT Center for Human Genetics Tuebingen
Classification: Uncertain significance. Last evaluated: 2024-09-01. Review status: criteria provided, single submitter. Criteria: CeGaT Center For Human Genetics Tuebingen Variant Classification Criteria Version 2. Collection method: clinical testing. Allele origin: germline. Affected: yes. Observed: 1 variant allele.
Comment: TTN: PM2

NM_001267550.2(TTN):c.18628del (p.Glu6209_Val6210insTer)

Genes: TTN (titin; minus strand), LOC126806430 (BRD4-independent group 4 enhancer GRCh37_chr2:179593794-179594993; plus strand). Cytogenetic location: 2q31.2.
Variant type: Deletion.
Coding change: c.18628del on transcript NM_001267550.2 (MANE Select); coding-DNA position 18628, one base deleted (G; older notation c.18628delG).
Protein change: p.Glu6209_Val6210insTer.
Molecular consequence: nonsense. On other transcripts: intron variant (3).
Genome position (GRCh38, 1-based): chr2:178,729,528, C deleted on the plus strand (G on the coding strand, the reverse complement: TTN is on the minus strand); the first of 2 consecutive C bases (chr2:178,729,528-178,729,529); deleting either gives the same sequence. VCF-style (leftmost placement, unchanged base first): chr2-178729527-AC-A. GRCh37 (hg19) VCF-style: chr2-179594254-AC-A.
Other names: c.17677del, p.Glu5892_Val5893insTer (NM_001256850.1); c.14896del, p.Glu4965_Val4966insTer (NM_133378.4); c.13282+8554del (NM_003319.4); c.13858+8554del (NM_133437.4); c.13657+8554del (NM_133432.3).
Identifiers: ClinVar variation 3389665 (VCV003389665.14).
Genomic context (GRCh38, chr2:178,729,527, plus strand): 5'-ACTTCAAACGGAGGTGTTCCCGTAACTTCACACTCCAGCTCCACGTCACTATATTTTACT[AC>A]CTCCACAGGCTTCAGCTCTCTGATAAAGGTGGGGGGTTCTAAAGATTCAAAAGGAAGACA-3'